The following is an entry in ClinVar:

ClinVar aggregate classification (germline): Uncertain significance (1 of 4 stars; one submission).

Conditions:
Fanconi anemia complementation group J. Also called: BRIP1-Related Fanconi Anemia. Identifiers: Orphanet 84, MedGen C1836860, MONDO:0012187, OMIM 609054.
Familial cancer of breast. Also called: BREAST CANCER, FAMILIAL; Hereditary breast cancer; hereditary breast carcinoma. Identifiers: Orphanet 227535, MedGen C0346153, MONDO:0016419, OMIM 114480. Disease mechanism: loss of function.

Submission:

Labcorp Genetics (formerly Invitae), Labcorp
Classification: Uncertain significance for Familial cancer of breast; Fanconi anemia complementation group J. Last evaluated: 2024-05-21. Review status: criteria provided, single submitter. Criteria: Invitae Variant Classification Sherloc (09022015). Collection method: clinical testing. Allele origin: germline.
Comment: This sequence change replaces alanine, which is neutral and non-polar, with glycine, which is neutral and non-polar, at codon 1167 of the BRIP1 protein (p.Ala1167Gly). This variant is not present in population databases (gnomAD no frequency). This variant has not been reported in the literature in individuals affected with BRIP1-related conditions. An algorithm developed to predict the effect of missense changes on protein structure and function (PolyPhen-2) suggests that this variant is likely to be disruptive. Algorithms developed to predict the effect of sequence changes on RNA splicing suggest that this variant may create or strengthen a splice site. In summary, the available evidence is currently insufficient to determine the role of this variant in disease. Therefore, it has been classified as a Variant of Uncertain Significance.

NM_032043.3(BRIP1):c.3500C>G (p.Ala1167Gly)

Gene: BRIP1 (BRCA1 interacting DNA helicase 1; minus strand). Cytogenetic location: 17q23.2.
Variant type: single nucleotide variant.
Coding change: c.3500C>G on transcript NM_032043.3 (MANE Select); coding-DNA position 3500, C replaced by G.
Protein change: p.Ala1167Gly; replaces alanine 1167 with glycine.
Molecular consequence: missense variant.
Genome position (GRCh38, 1-based): chr17:61,683,546, G>C on the plus strand (C>G on the coding strand, the complement: BRIP1 is on the minus strand). VCF-style: chr17-61683546-G-C. GRCh37 (hg19) VCF-style: chr17-59760907-G-C.
Other names: short protein forms A1167G.
Identifiers: ClinVar variation 3756456 (VCV003756456.2).